The following is an entry in ClinVar:

ClinVar aggregate classification (germline): Uncertain significance (1 of 4 stars; one submission).

Allele frequency attached by ClinVar (database versions not stated): gnomAD exomes 0.00001; TOPMed 0.00001.
gnomAD v4.1: 4 of 1,614,002 alleles (0.00025%); highest among the groups gnomAD compares: Admixed American, 0.0067%; no homozygotes.

Submission:

Labcorp Genetics (formerly Invitae), Labcorp
Classification: Uncertain significance. Last evaluated: 2025-07-21. Review status: criteria provided, single submitter. Criteria: Invitae Variant Classification Sherloc (09022015). Collection method: clinical testing. Allele origin: germline.
Comment: This sequence change replaces lysine, which is basic and polar, with methionine, which is neutral and non-polar, at codon 686 of the YME1L1 protein (p.Lys686Met). This variant is present in population databases (no rsID available, gnomAD 0.006%). This variant has not been reported in the literature in individuals affected with YME1L1-related conditions. ClinVar contains an entry for this variant (Variation ID: 1941458). An algorithm developed to predict the effect of missense changes on protein structure and function (PolyPhen-2) suggests that this variant is likely to be disruptive. In summary, the available evidence is currently insufficient to determine the role of this variant in disease. Therefore, it has been classified as a Variant of Uncertain Significance.

NM_014263.4(YME1L1):c.1886A>T (p.Lys629Met)

Gene: YME1L1 (YME1 like 1 ATPase; minus strand). Cytogenetic location: 10p12.1.
Variant type: single nucleotide variant.
Coding change: c.1886A>T on transcript NM_014263.4 (MANE Select); coding-DNA position 1886, A replaced by T.
Protein change: p.Lys629Met; replaces lysine 629 with methionine.
Molecular consequence: missense variant.
Genome position (GRCh38, 1-based): chr10:27,116,094, T>A on the plus strand (A>T on the coding strand, the complement: YME1L1 is on the minus strand). VCF-style: chr10-27116094-T-A. GRCh37 (hg19) VCF-style: chr10-27405023-T-A.
Other names: c.1787A>T, p.Lys596Met (NM_001253866.2); c.2057A>T, p.Lys686Met (NM_139312.3); short protein forms K596M, K629M, K686M.
Identifiers: ClinVar variation 1941458 (VCV001941458.5), dbSNP rs1344059986, ClinGen allele CA376369197.